The following is an entry in ClinVar:

NM_152703.5(SAMD9L):c.3208G>A (p.Val1070Ile)

Gene: SAMD9L (sterile alpha motif domain containing 9 like; minus strand). Cytogenetic location: 7q21.2.
Variant type: single nucleotide variant.
Coding change: c.3208G>A on transcript NM_152703.5 (MANE Select); coding-DNA position 3208, G replaced by A.
Protein change: p.Val1070Ile; replaces valine 1070 with isoleucine.
Molecular consequence: missense variant.
Genome position (GRCh38, 1-based): chr7:93,132,764, C>T on the plus strand (G>A on the coding strand, the complement: SAMD9L is on the minus strand). VCF-style: chr7-93132764-C-T. GRCh37 (hg19) VCF-style: chr7-92762077-C-T.
Other names: c.3208G>A, p.Val1070Ile (NM_001303496.3, NM_001303497.3, NM_001303498.3 and 5 more transcripts); short protein forms V1070I.
Identifiers: ClinVar variation 3950001 (VCV003950001.1).

ClinVar aggregate classification (germline): Uncertain significance (1 of 4 stars; one submission).

Conditions:
Inborn genetic diseases. Identifiers: MedGen C0950123, MeSH D030342.

gnomAD v4.1: 1 of 1,613,716 alleles (0.000062%); highest among the groups gnomAD compares: South Asian, 0.0011%; no homozygotes.

Submission:

Ambry Genetics
Classification: Uncertain significance for Inborn genetic diseases. Last evaluated: 2025-06-07. Review status: criteria provided, single submitter. Criteria: Ambry Variant Classification Scheme 2023. Collection method: clinical testing. Allele origin: germline.
Comment: The p.V1070I variant (also known as c.3208G>A), located in coding exon 1 of the SAMD9L gene, results from a G to A substitution at nucleotide position 3208. The valine at codon 1070 is replaced by isoleucine, an amino acid with highly similar properties. This amino acid position is conserved. In addition, this alteration is predicted to be tolerated by in silico analysis. Based on the available evidence, the clinical significance of this variant remains unclear.